The following is an entry in ClinVar:

NM_033380.3(COL4A5):c.3817G>A (p.Gly1273Ser)

Gene: COL4A5 (collagen type IV alpha 5 chain; plus strand). Cytogenetic location: Xq22.3.
Variant type: single nucleotide variant.
Coding change: c.3817G>A on transcript NM_033380.3 (MANE Select); coding-DNA position 3817, G replaced by A.
Protein change: p.Gly1273Ser; replaces glycine 1273 with serine.
Molecular consequence: missense variant.
Genome position (GRCh38, 1-based): chrX:108,677,508, G>A. VCF-style: chrX-108677508-G-A. GRCh37 (hg19) VCF-style: chrX-107920738-G-A.
Other names: c.3799G>A, p.Gly1267Ser (NM_000495.5); short protein forms G1267S, G1273S.
Identifiers: ClinVar variation 1077059 (VCV001077059.3), dbSNP rs2147974808, ClinGen allele CA413850092.

ClinVar aggregate classification (germline): Likely pathogenic. Review status: criteria provided, multiple submitters, no conflicts (2 of 4 stars). 2 submissions from 2 submitters: Likely pathogenic (2). Last evaluated 2025-04-29.

Conditions:
X-linked Alport syndrome (ATS1). Also called: COL4A5-Related Nephropathy; NEPHROPATHY AND DEAFNESS, X-LINKED. Identifiers: Orphanet 63, Orphanet 88917, MedGen C4746986, MONDO:0010520, OMIM 301050.

Submissions (2):

Victorian Clinical Genetics Services, Murdoch Childrens Research Institute
Classification: Likely pathogenic for X-linked Alport syndrome. Last evaluated: 2025-04-29. Review status: criteria provided, single submitter. Criteria: ACMG Guidelines, 2015. Collection method: clinical testing. Allele origin: germline. Affected: yes.
Comment: This variant is classified as Likely pathogenic. Evidence in support of pathogenic classification: Variant is absent from gnomAD (v2, v3 and v4); This variant has limited previous evidence of pathogenicity in an unrelated individual(s). This variant has been reported in an individual with X-linked Alport syndrome (PMID: 37225412); Other missense variant(s) comparable to the one identified in this case have moderate previous evidence for pathogenicity. p.(Gly1273Arg) and p.(Gly1273Cys) have each been reported in an individual affected with Alport syndrome (LOVD, PMID: 30076350); Variant is located in the well-established triple helical Gly-X-Y repeat region and affects a glycine residue (DECIPHER); Missense variant predicted to be damaging by in silico tool(s) or highly conserved with a major amino acid change. Additional information: Variant is predicted to result in a missense amino acid change from glycine to serine; This variant is hemizygous; This gene is associated with X-linked dominant disease. Males are typically more severely affected than females (PMID: 19965530); No published segregation evidence has been identified for this variant; No published functional evidence has been identified for this variant; Dominant negative and loss of function are known mechanisms of disease in this gene and are associated with X-linked Alport syndrome 1 (MIM#301050). Dominant negative is caused mostly by glycine substitutions that affect the conformation of the protein, and loss of function can be caused by either protein truncating or missense variants (PMID: 24046192, 12028435); Variants in this gene are known to have variable expressivity. There is intrafamilial variability among affected carrier females, possibly due to variable X-inactivation (PMID: 14514738); Inheritance information for this variant is not currently available in this individual.

Precision Medicine Center, Zhengzhou University
Classification: Likely pathogenic for X-linked Alport syndrome. Review status: criteria provided, single submitter. Criteria: ACMG Guidelines, 2015. Collection method: research. Allele origin: germline. Affected: yes.
Comment: PM1:Located in a mutational hot spot PM2:not found in gnomAD PP2:Missense variant in a gene that has a low rate of benign missense variation and in which missense variants are a common mechanism of disease PP3:Multiple lines of computational evidence support a deleterious effect on the gene or gene product

Literature cited by the submitters: PubMed 24046192 (cited by Victorian Clinical Genetics Services, Murdoch Childrens Research Institute); PubMed 37225412 (cited by Victorian Clinical Genetics Services, Murdoch Childrens Research Institute); PubMed 12028435 (cited by Victorian Clinical Genetics Services, Murdoch Childrens Research Institute); PubMed 14514738 (cited by Victorian Clinical Genetics Services, Murdoch Childrens Research Institute); PubMed 19965530 (cited by Victorian Clinical Genetics Services, Murdoch Childrens Research Institute); PubMed 30076350 (cited by Victorian Clinical Genetics Services, Murdoch Childrens Research Institute).